The following is an entry in ClinVar:

ClinVar aggregate classification (germline): Conflicting classifications of pathogenicity. Review status: criteria provided, conflicting classifications (1 of 4 stars). 3 submissions from 3 submitters: Uncertain significance (2); Likely benign (1). Last evaluated 2025-11-12.

Conditions:
Inborn genetic diseases. Identifiers: MedGen C0950123, MeSH D030342.
Holocarboxylase synthetase deficiency. Also called: MULTIPLE CARBOXYLASE DEFICIENCY, EARLY ONSET. Identifiers: Orphanet 79242, MedGen C0268581, MONDO:0009666, OMIM 253270.

Allele frequency attached by ClinVar (database versions not stated): gnomAD exomes 0.00008; ExAC 0.00009; gnomAD 0.00013; ESP Exome Variant Server 0.00015; TOPMed 0.00017.
gnomAD v4.1: 65 of 1,614,058 alleles (0.004%); highest among the groups gnomAD compares: African/African-American, 0.04%; no homozygotes.

Submissions (3):

Ambry Genetics
Classification: Uncertain significance for Inborn genetic diseases. Last evaluated: 2025-11-12. Review status: criteria provided, single submitter. Criteria: Ambry Variant Classification Scheme 2023. Collection method: clinical testing. Allele origin: germline.

Labcorp Genetics (formerly Invitae), Labcorp
Classification: Likely benign for Holocarboxylase synthetase deficiency. Last evaluated: 2025-10-29. Review status: criteria provided, single submitter. Criteria: Invitae Variant Classification Sherloc (09022015). Collection method: clinical testing. Allele origin: germline.

GeneDx
Classification: Uncertain significance. Last evaluated: 2020-08-03. Review status: criteria provided, single submitter. Criteria: GeneDx Variant Classification Process June 2021. Collection method: clinical testing. Allele origin: germline. Affected: yes.
Comment: In silico analysis supports that this missense variant does not alter protein structure/function; Has not been previously published as pathogenic or benign to our knowledge

NM_001352514.2(HLCS):c.1330C>T (p.Arg444Trp)

Gene: HLCS (holocarboxylase synthetase; minus strand). Cytogenetic location: 21q22.13.
Variant type: single nucleotide variant.
Coding change: c.1330C>T on transcript NM_001352514.2 (MANE Select); coding-DNA position 1330, C replaced by T.
Protein change: p.Arg444Trp; replaces arginine 444 with tryptophan.
Molecular consequence: missense variant. On other transcripts: non-coding transcript variant (2).
Genome position (GRCh38, 1-based): chr21:36,936,556, G>A on the plus strand (C>T on the coding strand, the complement: HLCS is on the minus strand). VCF-style: chr21-36936556-G-A. GRCh37 (hg19) VCF-style: chr21-38308856-G-A.
Other names: p.R297W:CGG>TGG; c.889C>T, p.Arg297Trp (NM_000411.8, NM_001242784.3, NM_001242785.2 and 4 more transcripts); short protein forms R297W, R444W.
Identifiers: ClinVar variation 203764 (VCV000203764.15), dbSNP rs139902499, ClinGen allele CA312613.